The following is an entry in ClinVar:

ClinVar aggregate classification (germline): Likely benign (1 of 4 stars; one submission).

Allele frequency attached by ClinVar (database versions not stated): gnomAD 0.00943 and 0.01016; 1000 Genomes Project 30x 0.01109; TOPMed 0.01029; 1000 Genomes Project 0.01058.

Submission:

GeneDx
Classification: Likely benign. Last evaluated: 2018-06-15. Review status: criteria provided, single submitter. Criteria: GeneDx Variant Classification (06012015). Collection method: clinical testing. Allele origin: germline. Affected: yes.
Comment: This variant is considered likely benign or benign based on one or more of the following criteria: it is a conservative change, it occurs at a poorly conserved position in the protein, it is predicted to be benign by multiple in silico algorithms, and/or has population frequency not consistent with disease.

NM_006514.4(SCN10A):c.3088-276A>G

Genes: SCN10A (sodium voltage-gated channel alpha subunit 10; minus strand), LOC110121288 (VISTA enhancer hs2268; plus strand). Cytogenetic location: 3p22.2.
Variant type: single nucleotide variant.
Coding change: c.3088-276A>G on transcript NM_006514.4 (MANE Select); 276 bases into the intron before coding-DNA position 3088, A replaced by G.
Molecular consequence: intron variant.
Genome position (GRCh38, 1-based): chr3:38,725,590, T>C on the plus strand (A>G on the coding strand, the complement: SCN10A is on the minus strand). VCF-style: chr3-38725590-T-C. GRCh37 (hg19) VCF-style: chr3-38767081-T-C.
Other names: c.2794-276A>G (NM_001293307.2); c.3088-279A>G (NM_001293306.2).
Identifiers: ClinVar variation 673340 (VCV000673340.1), dbSNP rs76534052, ClinGen allele CA72959832.
Genomic context (GRCh38, chr3:38,725,590, plus strand): 5'-TGTGTGACCTTAGGCAAGTTGTTTAACCTCTCTAATCTTCATTTTTCCCAGCTTCAAAAT[T>C]GAAAAGGCTAGATCTGCATCATTCAGCTGTTTTGATGACTAAATATGTTAGCGCTTGTAA-3'